The following is an entry in ClinVar:

NM_005529.7(HSPG2):c.7902C>G (p.Ile2634Met)

Gene: HSPG2 (heparan sulfate proteoglycan 2; minus strand). Cytogenetic location: 1p36.12.
Variant type: single nucleotide variant.
Coding change: c.7902C>G on transcript NM_005529.7 (MANE Select); coding-DNA position 7902, C replaced by G.
Protein change: p.Ile2634Met; replaces isoleucine 2634 with methionine.
Molecular consequence: missense variant.
Genome position (GRCh38, 1-based): chr1:21,847,812, G>C on the plus strand (C>G on the coding strand, the complement: HSPG2 is on the minus strand). VCF-style: chr1-21847812-G-C. GRCh37 (hg19) VCF-style: chr1-22174305-G-C.
Other names: c.7905C>G, p.Ile2635Met (NM_001291860.2); short protein forms I2634M, I2635M.
Identifiers: ClinVar variation 1463698 (VCV001463698.8), dbSNP rs371424140, ClinGen allele CA19114491.
Genomic context (GRCh38, chr1:21,847,812, plus strand): 5'-GGCGACCACGCAGTTCAGATCCAAGGTCTGCCCTTCCACCACCGTGGGGGAAGACGACTC[G>C]ATCCTGATCGGTGGGGAGACGCTGGGCACTGGGGACAGACGGGTGTGGACCACGCAGCCA-3'
Protein context (NP_005520.4, residues 2624-2644): HVPSVSPPIR[Ile2634Met]ESSSPTVVEG

ClinVar aggregate classification (germline): Uncertain significance (1 of 4 stars; one submission).

Submission:

Labcorp Genetics (formerly Invitae), Labcorp
Classification: Uncertain significance. Last evaluated: 2022-08-09. Review status: criteria provided, single submitter. Criteria: Invitae Variant Classification Sherloc (09022015). Collection method: clinical testing. Allele origin: germline.
Comment: This sequence change replaces isoleucine, which is neutral and non-polar, with methionine, which is neutral and non-polar, at codon 2634 of the HSPG2 protein (p.Ile2634Met). This variant is not present in population databases (gnomAD no frequency). In summary, the available evidence is currently insufficient to determine the role of this variant in disease. Therefore, it has been classified as a Variant of Uncertain Significance. Algorithms developed to predict the effect of missense changes on protein structure and function are either unavailable or do not agree on the potential impact of this missense change (SIFT: "Tolerated"; PolyPhen-2: "Probably Damaging"; Align-GVGD: "Class C0"). ClinVar contains an entry for this variant (Variation ID: 1463698). This variant has not been reported in the literature in individuals affected with HSPG2-related conditions.